The following is an entry in ClinVar:

NM_005687.5(FARSB):c.122A>G (p.Glu41Gly)

Gene: FARSB (phenylalanyl-tRNA synthetase subunit beta; minus strand). Cytogenetic location: 2q36.1.
Variant type: single nucleotide variant.
Coding change: c.122A>G on transcript NM_005687.5 (MANE Select); coding-DNA position 122, A replaced by G.
Protein change: p.Glu41Gly; replaces glutamic acid 41 with glycine.
Molecular consequence: missense variant. On other transcripts: non-coding transcript variant (1).
Genome position (GRCh38, 1-based): chr2:222,642,998, T>C on the plus strand (A>G on the coding strand, the complement: FARSB is on the minus strand). VCF-style: chr2-222642998-T-C. GRCh37 (hg19) VCF-style: chr2-223507717-T-C.
Other names: short protein forms E41G.
Identifiers: ClinVar variation 1303822 (VCV001303822.2), dbSNP rs747448704, ClinGen allele CA2136741.
Genomic context (GRCh38, chr2:222,642,998, plus strand): 5'-ACAACATCAGAGGCTCCTGCTGCCTTTACATTACCTTGTTCTTTACTTATTATTTCCTTC[T>C]CAGATGTCTAAAACAAGCCAAAAAGTAATGATAAAAATTAAATAATTTAAACTCTCTTTA-3'
Protein context (NP_005678.3, residues 31-51): FGLELDEITS[Glu41Gly]KEIISKEQGN

ClinVar aggregate classification (germline): Uncertain significance (1 of 4 stars; one submission).

Allele frequency attached by ClinVar (database versions not stated): gnomAD 0.00001; gnomAD exomes 0.00001 and 0.00003; TOPMed 0.00001; ExAC 0.00005.
gnomAD v4.1: 10 of 1,586,492 alleles (0.00063%); highest among the groups gnomAD compares: Admixed American, 0.013%; no homozygotes.

Submission:

GeneDx
Classification: Uncertain significance. Last evaluated: 2019-06-20. Review status: criteria provided, single submitter. Criteria: GeneDx Variant Classification Process June 2021. Collection method: clinical testing. Allele origin: germline. Affected: yes.
Comment: In silico analysis, which includes protein predictors and evolutionary conservation, supports a deleterious effect; Has not been previously published as pathogenic or benign to our knowledge